The following is an entry in ClinVar:

NM_000204.5(CFI):c.314C>G (p.Thr105Arg)

Gene: CFI (complement factor I; minus strand). Cytogenetic location: 4q25.
Variant type: single nucleotide variant.
Coding change: c.314C>G on transcript NM_000204.5 (MANE Select); coding-DNA position 314, C replaced by G.
Protein change: p.Thr105Arg; replaces threonine 105 with arginine.
Molecular consequence: missense variant. On other transcripts: non-coding transcript variant (3), intron variant (1).
Genome position (GRCh38, 1-based): chr4:109,766,568, G>C on the plus strand (C>G on the coding strand, the complement: CFI is on the minus strand). VCF-style: chr4-109766568-G-C. GRCh37 (hg19) VCF-style: chr4-110687724-G-C.
Other names: c.314C>G, p.Thr105Arg (NM_001375280.1, NM_001375281.1, NM_001375282.1 and 5 more transcripts); c.-127-4876C>G (NM_001375284.1); short protein forms T105R.
Identifiers: ClinVar variation 3708265 (VCV003708265.2).

ClinVar aggregate classification (germline): Uncertain significance (1 of 4 stars; one submission).

gnomAD v4.1: 5 of 1,614,094 alleles (0.00031%); highest among the groups gnomAD compares: Non-Finnish European, 0.00042%; no homozygotes.

Submission:

Labcorp Genetics (formerly Invitae), Labcorp
Classification: Uncertain significance. Last evaluated: 2025-01-11. Review status: criteria provided, single submitter. Criteria: Invitae Variant Classification Sherloc (09022015). Collection method: clinical testing. Allele origin: germline.
Comment: This sequence change replaces threonine, which is neutral and polar, with arginine, which is basic and polar, at codon 105 of the CFI protein (p.Thr105Arg). This variant is present in population databases (no rsID available, gnomAD 0.0009%). This variant has not been reported in the literature in individuals affected with CFI-related conditions. Invitae Evidence Modeling of protein sequence and biophysical properties (such as structural, functional, and spatial information, amino acid conservation, physicochemical variation, residue mobility, and thermodynamic stability) indicates that this missense variant is not expected to disrupt CFI protein function with a negative predictive value of 80%. In summary, the available evidence is currently insufficient to determine the role of this variant in disease. Therefore, it has been classified as a Variant of Uncertain Significance.